The following is an entry in ClinVar:

ClinVar aggregate classification (germline): Benign. Review status: criteria provided, multiple submitters, no conflicts (2 of 4 stars). 3 submissions from 3 submitters: Benign (3). Last evaluated 2026-07-01.

Allele frequency attached by ClinVar (database versions not stated): 1000 Genomes Project 30x 0.00593; 1000 Genomes Project 0.00619; TOPMed 0.00754; gnomAD 0.00915 and 0.00962; ESP Exome Variant Server 0.00923; ExAC 0.00976.
gnomAD v4.1: 19,109 of 1,612,406 alleles (1.2%); highest among the groups gnomAD compares: Non-Finnish European, 1.4%; 158 homozygotes.

Submissions (3):

CeGaT Center for Human Genetics Tuebingen
Classification: Benign. Last evaluated: 2026-07-01. Review status: criteria provided, single submitter. Criteria: CeGaT Center For Human Genetics Tuebingen Variant Classification Criteria Version 2. Collection method: clinical testing. Allele origin: germline. Affected: yes. Observed: 10 variant alleles.
Comment: PLXNA1: BP4, BP7, BS1, BS2

Labcorp Genetics (formerly Invitae), Labcorp
Classification: Benign. Last evaluated: 2026-01-12. Review status: criteria provided, single submitter. Criteria: Invitae Variant Classification Sherloc (09022015). Collection method: clinical testing. Allele origin: germline.

Breakthrough Genomics
Classification: Benign. Review status: criteria provided, single submitter. Criteria: ACMG Guidelines, 2015. Collection method: not provided. Allele origin: germline. Inheritance: Autosomal recessive inheritance. Affected: yes.

NM_032242.4(PLXNA1):c.1305C>T (p.Thr435=)

Gene: PLXNA1 (plexin A1; plus strand). Cytogenetic location: 3q21.3.
Variant type: single nucleotide variant.
Coding change: c.1305C>T on transcript NM_032242.4 (MANE Select); coding-DNA position 1305, C replaced by T.
Protein change: p.Thr435=; no amino-acid change (threonine 435 retained).
Molecular consequence: synonymous variant.
Genome position (GRCh38, 1-based): chr3:126,991,494, C>T. VCF-style: chr3-126991494-C-T. GRCh37 (hg19) VCF-style: chr3-126710337-C-T.
Identifiers: ClinVar variation 774606 (VCV000774606.17), dbSNP rs116342901, ClinGen allele CA2593182.